The following is an entry in ClinVar:

ClinVar aggregate classification (germline): Likely benign. Review status: criteria provided, multiple submitters, no conflicts (2 of 4 stars). 3 submissions from 3 submitters: Likely benign (2). 1 of the submissions does not count toward it. Last evaluated 2025-03-15.

Conditions:
Metachromatic leukodystrophy (MLD). Also called: Cerebral sclerosis diffuse metachromatic form; METACHROMATIC LEUKOENCEPHALOPATHY; SULFATIDE LIPIDOSIS; ARSA DEFICIENCY; CEREBROSIDE SULFATASE DEFICIENCY; Arylsulfatase A Deficiency. Identifiers: Orphanet 512, MedGen C0023522, MONDO:0018868, OMIM 250100.
Sphingolipid activator protein 1 deficiency. Also called: Metachromatic leukodystrophy due to saposin B deficiency; METACHROMATIC LEUKODYSTROPHY DUE TO CEREBROSIDE SULFATASE ACTIVATOR DEFICIENCY; Saposin B Deficiency. Identifiers: Orphanet 512, MedGen C0268262, MONDO:0009590, OMIM 249900.

Allele frequency attached by ClinVar (database versions not stated): TOPMed 0.00004; gnomAD 0.00005; gnomAD exomes 0.00007; ExAC 0.00010.
gnomAD v4.1: 153 of 1,614,030 alleles (0.0095%); highest among the groups gnomAD compares: Non-Finnish European, 0.012%; 1 homozygote.

Submissions (3):

Labcorp Genetics (formerly Invitae), Labcorp
Classification: Likely benign for Sphingolipid activator protein 1 deficiency. Last evaluated: 2025-03-15. Review status: criteria provided, single submitter. Criteria: Invitae Variant Classification Sherloc (09022015). Collection method: clinical testing. Allele origin: germline.

Mayo Clinic Laboratories, Mayo Clinic
Classification: Likely benign. Last evaluated: 2025-02-25. Review status: criteria provided, single submitter. Criteria: ACMG Guidelines, 2015. Collection method: clinical testing. Allele origin: germline. Observed: 1 variant allele.
Comment: BP4, BP7

Natera, Inc.
Classification: Likely benign for Metachromatic leukodystrophy. Last evaluated: 2020-10-28. Review status: no assertion criteria provided. Collection method: clinical testing. Allele origin: germline. Not counted in ClinVar's aggregate classification.

NM_002778.4(PSAP):c.1389C>T (p.Ile463=)

Gene: PSAP (prosaposin; minus strand). Cytogenetic location: 10q22.1.
Variant type: single nucleotide variant.
Coding change: c.1389C>T on transcript NM_002778.4 (MANE Select); coding-DNA position 1389, C replaced by T.
Protein change: p.Ile463=; no amino-acid change (isoleucine 463 retained).
Molecular consequence: synonymous variant.
Genome position (GRCh38, 1-based): chr10:71,819,073, G>A on the plus strand (C>T on the coding strand, the complement: PSAP is on the minus strand). VCF-style: chr10-71819073-G-A. GRCh37 (hg19) VCF-style: chr10-73578830-G-A.
Other names: p.Ile463=; c.1398C>T, p.Ile466= (NM_001042465.3); c.1395C>T, p.Ile465= (NM_001042466.3).
Identifiers: ClinVar variation 742352 (VCV000742352.13), dbSNP rs762811199, ClinGen allele CA5547364.